The following is an entry in ClinVar:

NM_003239.5(TGFB3):c.395T>C (p.Phe132Ser)

Gene: TGFB3 (transforming growth factor beta 3; minus strand). Cytogenetic location: 14q24.3.
Variant type: single nucleotide variant.
Coding change: c.395T>C on transcript NM_003239.5 (MANE Select); coding-DNA position 395, T replaced by C.
Protein change: p.Phe132Ser; replaces phenylalanine 132 with serine.
Molecular consequence: missense variant.
Genome position (GRCh38, 1-based): chr14:75,971,676, A>G on the plus strand (T>C on the coding strand, the complement: TGFB3 is on the minus strand). VCF-style: chr14-75971676-A-G. GRCh37 (hg19) VCF-style: chr14-76438019-A-G.
Other names: c.395T>C, p.Phe132Ser (NM_001329938.2, NM_001329939.2); short protein forms F132S.
Identifiers: ClinVar variation 520209 (VCV000520209.5), dbSNP rs1555360876, ClinGen allele CA390470194.

ClinVar aggregate classification (germline): Uncertain significance (1 of 4 stars; one submission).

Conditions:
Familial thoracic aortic aneurysm and aortic dissection (TAAD). Also called: Thoracic aortic aneurysms and dissections. Identifiers: Orphanet 91387, MedGen C4707243, MONDO:0019625.

Submission:

Ambry Genetics
Classification: Uncertain significance for Familial thoracic aortic aneurysm and aortic dissection. Last evaluated: 2017-02-24. Review status: criteria provided, single submitter. Criteria: Ambry Variant Classification Scheme 2023. Collection method: clinical testing. Allele origin: germline.
Comment: The p.F132S variant (also known as c.395T>C), located in coding exon 2 of the TGFB3 gene, results from a T to C substitution at nucleotide position 395. The phenylalanine at codon 132 is replaced by serine, an amino acid with highly dissimilar properties. This amino acid position is highly conserved in available vertebrate species. In addition, this alteration is predicted to be deleterious by in silico analysis. Since supporting evidence is limited at this time, the clinical significance of this alteration remains unclear.